The following is an entry in ClinVar:

ClinVar aggregate classification (germline): Uncertain significance. Review status: criteria provided, multiple submitters, no conflicts (2 of 4 stars). 2 submissions from 2 submitters: Uncertain significance (2). Last evaluated 2025-10-24.

Conditions:
PCNT-related disorder. Also called: PCNT-related condition.
Inborn genetic diseases. Identifiers: MedGen C0950123, MeSH D030342.

gnomAD v4.1: 26 of 1,613,940 alleles (0.0016%); highest among the groups gnomAD compares: Non-Finnish European, 0.002%; no homozygotes.

Submissions (2):

PreventionGenetics, part of Exact Sciences
Classification: Uncertain significance for PCNT-related condition. Last evaluated: 2025-10-24. Review status: criteria provided, single submitter. Criteria: ACMG Guidelines, 2015. Collection method: clinical testing. Allele origin: germline.
Comment: The PCNT c.4930A>T variant is predicted to result in the amino acid substitution p.Thr1644Ser. To our knowledge, this variant has not been reported in the literature. This variant is reported in 0.00088% of alleles in individuals of European (Non-Finnish) descent in gnomAD. At this time, the clinical significance of this variant is uncertain due to the absence of conclusive functional and genetic evidence.

Ambry Genetics
Classification: Uncertain significance for Inborn genetic diseases. Last evaluated: 2024-12-28. Review status: criteria provided, single submitter. Criteria: Ambry Variant Classification Scheme 2023. Collection method: clinical testing. Allele origin: germline.

NM_006031.6(PCNT):c.4930A>T (p.Thr1644Ser)

Gene: PCNT (pericentrin; plus strand). Cytogenetic location: 21q22.3.
Variant type: single nucleotide variant.
Coding change: c.4930A>T on transcript NM_006031.6 (MANE Select); coding-DNA position 4930, A replaced by T.
Protein change: p.Thr1644Ser; replaces threonine 1644 with serine.
Molecular consequence: missense variant.
Genome position (GRCh38, 1-based): chr21:46,401,689, A>T. VCF-style: chr21-46401689-A-T. GRCh37 (hg19) VCF-style: chr21-47821603-A-T.
Other names: c.4576A>T, p.Thr1526Ser (NM_001315529.2); short protein forms T1644S, T1526S.
Identifiers: ClinVar variation 3886977 (VCV003886977.2).